The following is an entry in ClinVar:

ClinVar aggregate classification (germline): Uncertain significance. Review status: criteria provided, multiple submitters, no conflicts (2 of 4 stars). 2 submissions from 2 submitters: Uncertain significance (2). Last evaluated 2023-09-19.

Conditions:
Intellectual developmental disorder, autosomal dominant 1. Also called: MBD5 Haploinsufficiency; Intellectual disability, autosomal dominant 1. Identifiers: Orphanet 228402, MedGen C1969562, MONDO:0007974, OMIM 156200.

Allele frequency attached by ClinVar (database versions not stated): gnomAD exomes below 0.00001.
gnomAD v4.1: 1 of 1,613,970 alleles (0.000062%); highest among the groups gnomAD compares: Non-Finnish European, 0.000085%; no homozygotes.

Submissions (2):

Labcorp Genetics (formerly Invitae), Labcorp
Classification: Uncertain significance for Intellectual developmental disorder, autosomal dominant 1. Last evaluated: 2023-09-19. Review status: criteria provided, single submitter. Criteria: Invitae Variant Classification Sherloc (09022015). Collection method: clinical testing. Allele origin: germline.
Comment: Advanced modeling of protein sequence and biophysical properties (such as structural, functional, and spatial information, amino acid conservation, physicochemical variation, residue mobility, and thermodynamic stability) has been performed at Invitae for this missense variant, however the output from this modeling did not meet the statistical confidence thresholds required to predict the impact of this variant on MBD5 protein function. ClinVar contains an entry for this variant (Variation ID: 199152). This variant has not been reported in the literature in individuals affected with MBD5-related conditions. This variant is not present in population databases (gnomAD no frequency). This sequence change replaces proline, which is neutral and non-polar, with leucine, which is neutral and non-polar, at codon 365 of the MBD5 protein (p.Pro365Leu). In summary, the available evidence is currently insufficient to determine the role of this variant in disease. Therefore, it has been classified as a Variant of Uncertain Significance.

Eurofins Ntd Llc (ga)
Classification: Uncertain significance. Last evaluated: 2014-05-23. Review status: criteria provided, single submitter. Criteria: EGL Classification Definitions 2015. Collection method: clinical testing. Allele origin: germline. Observed: 1 variant allele, 1 heterozygote.

NM_001378120.1(MBD5):c.1094C>T (p.Pro365Leu)

Gene: MBD5 (methyl-CpG binding domain protein 5; plus strand). Cytogenetic location: 2q23.1.
Variant type: single nucleotide variant.
Coding change: c.1094C>T on transcript NM_001378120.1 (MANE Select); coding-DNA position 1094, C replaced by T.
Protein change: p.Pro365Leu; replaces proline 365 with leucine.
Molecular consequence: missense variant.
Genome position (GRCh38, 1-based): chr2:148,469,037, C>T. VCF-style: chr2-148469037-C-T. GRCh37 (hg19) VCF-style: chr2-149226606-C-T.
Other names: c.1094C>T, p.Pro365Leu (NM_018328.5); short protein forms P365L.
Identifiers: ClinVar variation 199152 (VCV000199152.8), dbSNP rs794727974, ClinGen allele CA248201.